The following is an entry in ClinVar:

NM_001267550.2(TTN):c.101291C>G (p.Ala33764Gly)

Genes: TTN (titin; minus strand), TTN-AS1 (TTN antisense RNA 1; plus strand). Cytogenetic location: 2q31.2.
Variant type: single nucleotide variant.
Coding change: c.101291C>G on transcript NM_001267550.2 (MANE Select); coding-DNA position 101291, C replaced by G.
Protein change: p.Ala33764Gly; replaces alanine 33764 with glycine.
Molecular consequence: missense variant.
Genome position (GRCh38, 1-based): chr2:178,535,324, G>C on the plus strand (C>G on the coding strand, the complement: TTN is on the minus strand). VCF-style: chr2-178535324-G-C. GRCh37 (hg19) VCF-style: chr2-179400051-G-C.
Other names: c.101291C>G (NM_001267550.1); c.96368C>G, p.Ala32123Gly (NM_001256850.1); c.74096C>G, p.Ala24699Gly (NM_003319.4); c.93587C>G, p.Ala31196Gly (NM_133378.4); c.74471C>G, p.Ala24824Gly (NM_133432.3); c.74672C>G, p.Ala24891Gly (NM_133437.4); short protein forms A33764G, A24891G, A24699G, A24824G, A31196G, A32123G.
Identifiers: ClinVar variation 466694 (VCV000466694.9), dbSNP rs773542514, ClinGen allele CA349421037.
Genomic context (GRCh38, chr2:178,535,324, plus strand): 5'-TCTTTGGTTATGGTTGGTTCTGAAGGCTCTGAAGGCTTGCTCAGACCAAATTTATTTTCA[G>C]CTATTACCCGGAACTGGTAACTTGTTTTTCCAAATAAGTTGATCACGGTATAACGTGTTT-3'
Protein context (NP_001254479.2, residues 33754-33774): GKTSYQFRVI[Ala33764Gly]ENKFGLSKPS

ClinVar aggregate classification (germline): Uncertain significance. Review status: criteria provided, multiple submitters, no conflicts (2 of 4 stars). 3 submissions from 3 submitters: Uncertain significance (3). Last evaluated 2026-06-11.

Conditions:
TTN-related disorder. Also called: TTN-related condition; TTN-related disease; TTN-related disorders.
Autosomal recessive limb-girdle muscular dystrophy type 2J (LGMDR10). Also called: Limb-girdle muscular dystrophy, type 2J; MUSCULAR DYSTROPHY, LIMB-GIRDLE, AUTOSOMAL RECESSIVE 10. Identifiers: Orphanet 140922, MedGen C1837342, MONDO:0012127, OMIM 608807.
Dilated cardiomyopathy 1G (CMD1G). Identifiers: Orphanet 154, MedGen C1858763, MONDO:0011400, OMIM 604145.

gnomAD v4.1: 16 of 1,613,720 alleles (0.00099%); highest among the groups gnomAD compares: Middle Eastern, 0.016%; no homozygotes.

Submissions (3):

PreventionGenetics, part of Exact Sciences
Classification: Uncertain significance for TTN-related condition. Last evaluated: 2026-06-11. Review status: criteria provided, single submitter. Criteria: ACMG Guidelines, 2015. Collection method: clinical testing. Allele origin: germline.
Comment: The TTN c.101291C>G variant is predicted to result in the amino acid substitution p.Ala33764Gly. To our knowledge, this variant has not been reported in the literature. This variant is reported in 0.0058% of alleles in individuals of Latino descent in gnomAD. At this time, the clinical significance of this variant is uncertain due to the absence of conclusive functional and genetic evidence.

Labcorp Genetics (formerly Invitae), Labcorp
Classification: Uncertain significance for Dilated cardiomyopathy 1G; Autosomal recessive limb-girdle muscular dystrophy type 2J. Last evaluated: 2025-09-01. Review status: criteria provided, single submitter. Criteria: Invitae Variant Classification Sherloc (09022015). Collection method: clinical testing. Allele origin: germline.
Comment: This sequence change replaces alanine, which is neutral and non-polar, with glycine, which is neutral and non-polar, at codon 33764 of the TTN protein (p.Ala33764Gly). This variant is present in population databases (no rsID available, gnomAD 0.006%). This variant has not been reported in the literature in individuals affected with TTN-related conditions. ClinVar contains an entry for this variant (Variation ID: 466694). Experimental studies and prediction algorithms are not available or were not evaluated, and the functional significance of this variant is currently unknown. This variant is located in the M band of TTN (PMID: 25589632). Non-truncating variants in this region may be relevant for neuromuscular disorders, but have not been definitively shown to cause cardiomyopathy (PMID: 23975875). In summary, the available evidence is currently insufficient to determine the role of this variant in disease. Therefore, it has been classified as a Variant of Uncertain Significance.

GeneDx
Classification: Uncertain significance. Last evaluated: 2024-05-22. Review status: criteria provided, single submitter. Criteria: GeneDx Variant Classification Process June 2021. Collection method: clinical testing. Allele origin: germline. Affected: yes.
Comment: Not observed at significant frequency in large population cohorts (gnomAD); Missense variant in a gene in which most reported pathogenic variants are truncating/loss of function; Has not been previously published as pathogenic or benign to our knowledge

Literature cited by the submitters: PubMed 25589632 (cited by Labcorp Genetics (formerly Invitae), Labcorp); PubMed 23975875 (cited by Labcorp Genetics (formerly Invitae), Labcorp).